The following is an entry in ClinVar:

ClinVar aggregate classification (germline): Uncertain significance (1 of 4 stars; one submission).

Conditions:
GM3 synthase deficiency (SPDRS). Also called: AMISH INFANTILE EPILEPSY SYNDROME; SALT AND PEPPER MENTAL RETARDATION SYNDROME; SALT AND PEPPER DEVELOPMENTAL REGRESSION SYNDROME. Identifiers: Orphanet 171714, Orphanet 370933, MedGen C1836824, MONDO:0018274, OMIM 609056.

Allele frequency attached by ClinVar (database versions not stated): gnomAD 0.00001; gnomAD exomes 0.00001 and 0.00006; TOPMed 0.00002; ExAC 0.00005.
gnomAD v4.1: 19 of 1,614,088 alleles (0.0012%); highest among the groups gnomAD compares: East Asian, 0.038%; no homozygotes.

Submission:

Labcorp Genetics (formerly Invitae), Labcorp
Classification: Uncertain significance for GM3 synthase deficiency. Last evaluated: 2021-08-31. Review status: criteria provided, single submitter. Criteria: Invitae Variant Classification Sherloc (09022015). Collection method: clinical testing. Allele origin: germline.
Comment: This sequence change replaces leucine with serine at codon 141 of the ST3GAL5 protein (p.Leu141Ser). The leucine residue is highly conserved and there is a large physicochemical difference between leucine and serine. This variant is present in population databases (rs772327731, ExAC 0.07%). This variant has not been reported in the literature in individuals affected with ST3GAL5-related conditions. Algorithms developed to predict the effect of missense changes on protein structure and function are either unavailable or do not agree on the potential impact of this missense change (SIFT: "Deleterious"; PolyPhen-2: "Benign"; Align-GVGD: "Class C65"). In summary, the available evidence is currently insufficient to determine the role of this variant in disease. Therefore, it has been classified as a Variant of Uncertain Significance.

NM_003896.4(ST3GAL5):c.422T>C (p.Leu141Ser)

Gene: ST3GAL5 (ST3 beta-galactoside alpha-2,3-sialyltransferase 5; minus strand). Cytogenetic location: 2p11.2.
Variant type: single nucleotide variant.
Coding change: c.422T>C on transcript NM_003896.4 (MANE Select); coding-DNA position 422, T replaced by C.
Protein change: p.Leu141Ser; replaces leucine 141 with serine.
Molecular consequence: missense variant. On other transcripts: 5 prime UTR variant (1).
Genome position (GRCh38, 1-based): chr2:85,848,101, A>G on the plus strand (T>C on the coding strand, the complement: ST3GAL5 is on the minus strand). VCF-style: chr2-85848101-A-G. GRCh37 (hg19) VCF-style: chr2-86075224-A-G.
Other names: c.353T>C, p.Leu118Ser (NM_001042437.2); c.38T>C, p.Leu13Ser (NM_001354223.2, NM_001354224.2, NM_001354226.2 and 3 more transcripts); c.338T>C, p.Leu113Ser (NM_001354227.2, NM_001354229.2, NM_001354238.1); c.-483T>C (NM_001354247.1); c.422T>C, p.Leu141Ser (NM_001363847.1); short protein forms L113S, L118S, L13S, L141S.
Identifiers: ClinVar variation 1062606 (VCV001062606.6), dbSNP rs772327731, ClinGen allele CA1745041.